The following is an entry in ClinVar:

ClinVar aggregate classification (germline): Uncertain significance (1 of 4 stars; one submission).

Submission:

GeneDx
Classification: Uncertain significance. Last evaluated: 2019-05-10. Review status: criteria provided, single submitter. Criteria: GeneDx Variant Classification Process June 2021. Collection method: clinical testing. Allele origin: germline. Affected: yes.
Comment: Not observed in large population cohorts (Lek et al., 2016); In silico analysis, which includes protein predictors and evolutionary conservation, supports a deleterious effect; Has not been previously published as pathogenic or benign to our knowledge

NM_198994.3(TGM6):c.1331C>G (p.Pro444Arg)

Gene: TGM6 (transglutaminase 6; plus strand). Cytogenetic location: 20p13.
Variant type: single nucleotide variant.
Coding change: c.1331C>G on transcript NM_198994.3 (MANE Select); coding-DNA position 1331, C replaced by G.
Protein change: p.Pro444Arg; replaces proline 444 with arginine.
Molecular consequence: missense variant.
Genome position (GRCh38, 1-based): chr20:2,403,818, C>G. VCF-style: chr20-2403818-C-G. GRCh37 (hg19) VCF-style: chr20-2384464-C-G.
Other names: c.1331C>G, p.Pro444Arg (NM_001254734.2); short protein forms P444R.
Identifiers: ClinVar variation 1305560 (VCV001305560.2), dbSNP rs762711483, ClinGen allele CA408013589.